The following is an entry in ClinVar:

NM_001353108.3(CEP63):c.1154dup (p.Asn385fs)

Gene: CEP63 (centrosomal protein 63; plus strand). Cytogenetic location: 3q22.2.
Variant type: Duplication.
Coding change: c.1154dup on transcript NM_001353108.3 (MANE Select); coding-DNA position 1154, one base duplicated (A; older notation c.1154dupA).
Protein change: p.Asn385fs; shifts the reading frame from asparagine 385.
Molecular consequence: frameshift variant. On other transcripts: non-coding transcript variant (4).
Genome position (GRCh38, 1-based): chr3:134,549,148, A duplicated; the last of 2 consecutive A bases (chr3:134,549,147-134,549,148); duplicating either gives the same sequence. VCF-style (leftmost placement, unchanged base first): chr3-134549146-T-TA. GRCh37 (hg19) VCF-style: chr3-134267988-T-TA.
Other names: c.1016dup, p.Asn339fs (NM_001042383.2, NM_001042384.2, NM_001353109.1 and 6 more transcripts); c.1154dup, p.Asn385fs (NM_001042400.3, NM_001353110.1, NM_001353111.2 and 4 more transcripts); c.1043dup, p.Asn348fs (NM_001353118.1); c.932dup, p.Asn311fs (NM_001353125.2); c.653dup, p.Asn218fs (NM_001353126.2); short protein forms N218fs, N339fs, N348fs, N385fs, N311fs.
Identifiers: ClinVar variation 4753151 (VCV004753151.1).
Genomic context (GRCh38, chr3:134,549,146, plus strand): 5'-TAAACAGCTGAGCCAAGAACTAATGGAAAAATATGAAGAACTGAAGAGGATGGAAGCACA[T>TA]AACAATGAATACAAAGCAGAGATTAAGAAGGTAAAAATCTGCATACCTAGGATTGCAAAA-3'

ClinVar aggregate classification (germline): Pathogenic (1 of 4 stars; one submission).

Submission:

Labcorp Genetics (formerly Invitae), Labcorp
Classification: Pathogenic. Last evaluated: 2025-11-18. Review status: criteria provided, single submitter. Criteria: Invitae Variant Classification Sherloc (09022015). Collection method: clinical testing. Allele origin: germline.
Comment: This sequence change creates a premature translational stop signal (p.Asn385Lysfs*3) in the CEP63 gene. It is expected to result in an absent or disrupted protein product. Loss-of-function variants in CEP63 are known to be pathogenic (PMID: 21983783, 23936128, 26158450). This variant is present in population databases (rs775085746, gnomAD 0.003%). This variant has not been reported in the literature in individuals affected with CEP63-related conditions. For these reasons, this variant has been classified as Pathogenic.

Literature cited by the submitters: PubMed 21983783; PubMed 23936128; PubMed 26158450.